The following is an entry in ClinVar:

NM_001242896.3(DEPDC5):c.3635A>G (p.His1212Arg)

Gene: DEPDC5 (DEP domain containing 5, GATOR1 subcomplex subunit; plus strand). Cytogenetic location: 22q12.3.
Variant type: single nucleotide variant.
Coding change: c.3635A>G on transcript NM_001242896.3 (MANE Select); coding-DNA position 3635, A replaced by G.
Protein change: p.His1212Arg; replaces histidine 1212 with arginine.
Molecular consequence: missense variant. On other transcripts: non-coding transcript variant (4).
Genome position (GRCh38, 1-based): chr22:31,874,344, A>G. VCF-style: chr22-31874344-A-G. GRCh37 (hg19) VCF-style: chr22-32270330-A-G.
Other names: c.3608A>G, p.His1203Arg (NM_001136029.4); c.3335A>G, p.His1112Arg (NM_001242897.2); c.3569A>G, p.His1190Arg (NM_001363852.2, NM_001364320.2); c.3401A>G, p.His1134Arg (NM_001363854.2, NM_001364319.2); c.3635A>G, p.His1212Arg (NM_001364318.2); c.3551A>G, p.His1184Arg (NM_001369901.1, NM_001369902.1); c.3542A>G, p.His1181Arg (NM_001369903.1, NM_014662.6); short protein forms H1112R, H1184R, H1203R, H1212R, H1134R, H1181R, H1190R.
Identifiers: ClinVar variation 2992766 (VCV002992766.3), dbSNP rs760828155, ClinGen allele CA411277868.

ClinVar aggregate classification (germline): Uncertain significance (1 of 4 stars; one submission).

Conditions:
Familial focal epilepsy with variable foci (FPEVF). Identifiers: Orphanet 98820, MedGen C1858477, MONDO:0020310.

gnomAD v4.1: 2 of 1,611,668 alleles (0.00012%); highest among the groups gnomAD compares: Non-Finnish European, 0.00017%; no homozygotes.

Submission:

Labcorp Genetics (formerly Invitae), Labcorp
Classification: Uncertain significance for Familial focal epilepsy with variable foci. Last evaluated: 2024-06-04. Review status: criteria provided, single submitter. Criteria: Invitae Variant Classification Sherloc (09022015). Collection method: clinical testing. Allele origin: germline.
Comment: This sequence change replaces histidine, which is basic and polar, with arginine, which is basic and polar, at codon 1212 of the DEPDC5 protein (p.His1212Arg). This variant is not present in population databases (gnomAD no frequency). This variant has not been reported in the literature in individuals affected with DEPDC5-related conditions. Experimental studies and prediction algorithms are not available or were not evaluated, and the functional significance of this variant is currently unknown. In summary, the available evidence is currently insufficient to determine the role of this variant in disease. Therefore, it has been classified as a Variant of Uncertain Significance.